The following is an entry in ClinVar:

NM_001190274.2(FBXO11):c.2041A>G (p.Ile681Val)

Gene: FBXO11 (F-box protein 11; minus strand). Cytogenetic location: 2p16.3.
Variant type: single nucleotide variant.
Coding change: c.2041A>G on transcript NM_001190274.2 (MANE Select); coding-DNA position 2041, A replaced by G.
Protein change: p.Ile681Val; replaces isoleucine 681 with valine.
Molecular consequence: missense variant.
Genome position (GRCh38, 1-based): chr2:47,813,833, T>C on the plus strand (A>G on the coding strand, the complement: FBXO11 is on the minus strand). VCF-style: chr2-47813833-T-C. GRCh37 (hg19) VCF-style: chr2-48040972-T-C.
Other names: c.1789A>G, p.Ile597Val (NM_001374325.1, NM_025133.4); short protein forms I597V, I681V.
Identifiers: ClinVar variation 3360348 (VCV003360348.2).

ClinVar aggregate classification (germline): Likely pathogenic (1 of 4 stars; one submission).

Submission:

GeneDx
Classification: Likely pathogenic. Last evaluated: 2026-05-17. Review status: criteria provided, single submitter. Criteria: GeneDx Variant Classification Process June 2021. Collection method: clinical testing. Allele origin: germline.
Comment: Not observed at significant frequency in large population cohorts (gnomAD); In silico analysis suggests that this missense variant does not alter protein structure/function; Has not been previously published as pathogenic or benign to our knowledge